The following is an entry in ClinVar:

NM_000051.4(ATM):c.5847dup (p.Ala1950fs)

Genes: ATM (ATM serine/threonine kinase; plus strand), C11orf65 (chromosome 11 open reading frame 65; minus strand). Cytogenetic location: 11q22.3.
Variant type: Duplication.
Coding change: c.5847dup on transcript NM_000051.4 (MANE Select); coding-DNA position 5847, one base duplicated (T; older notation c.5847dupT).
Protein change: p.Ala1950fs; shifts the reading frame from alanine 1950.
Molecular consequence: frameshift variant. On other transcripts: intron variant (2).
Genome position (GRCh38, 1-based): chr11:108,310,244, T duplicated. VCF-style (leftmost placement, unchanged base first): chr11-108310243-C-CT. GRCh37 (hg19) VCF-style: chr11-108180970-C-CT.
Other names: c.5847dup, p.Ala1950fs (NM_001351834.2); c.641-1173dup (NM_001330368.2); c.*39-1173dup (NM_001351110.2); short protein forms A1950fs.
Identifiers: ClinVar variation 4071388 (VCV004071388.1).
Genomic context (GRCh38, chr11:108,310,243, plus strand): 5'-ATGATGCTTTCTGGCTGGATTTAAATTATCTAGAAGTTGCCAAGGTAGCTCAGTCTTGTG[C>CT]TGCTCACTTTACAGCTTTACTCTATGCAGAAATCTATGCAGATAAGAAAAGTATGGATGA-3'

ClinVar aggregate classification (germline): Pathogenic (1 of 4 stars; one submission).

Conditions:
Familial cancer of breast. Also called: BREAST CANCER, FAMILIAL; Hereditary breast cancer; hereditary breast carcinoma. Identifiers: Orphanet 227535, MedGen C0346153, MONDO:0016419, OMIM 114480. Disease mechanism: loss of function.

Submission:

Myriad Genetics, Inc.
Classification: Pathogenic for Familial cancer of breast. Last evaluated: 2025-05-07. Review status: criteria provided, single submitter. Criteria: Myriad Autosomal Dominant, Autosomal Recessive and X-Linked Classification Criteria (2023). Collection method: clinical testing. Allele origin: unknown.
Comment: This variant is considered pathogenic. This variant creates a frameshift predicted to result in premature protein truncation.